The following is an entry in ClinVar:

ClinVar aggregate classification (germline): Likely pathogenic (1 of 4 stars; one submission).

Conditions:
Dyskeratosis congenita, autosomal dominant 2. Identifiers: MedGen C3151443, MONDO:0013521, OMIM 613989.
Idiopathic Pulmonary Fibrosis. Also called: Idiopathic fibrosing alveolitis, chronic form; idiopathic fibrosing alveolitis. Identifiers: Orphanet 2032, MedGen C1800706, MeSH D054990, MONDO:0800504.

Submission:

Labcorp Genetics (formerly Invitae), Labcorp
Classification: Likely pathogenic for Dyskeratosis congenita, autosomal dominant 2; Idiopathic Pulmonary Fibrosis. Last evaluated: 2023-10-31. Review status: criteria provided, single submitter. Criteria: Invitae Variant Classification Sherloc (09022015). Collection method: clinical testing. Allele origin: germline.
Comment: This variant results in a copy number gain of the genomic region encompassing exon(s) 3 of the TERT gene. While the exact position of this variant cannot be determined from the data, sub-genic copy number gains are generally in tandem (PMID: 25640679). This variant is predicted to be out-of-frame, and may result in an absent or disrupted protein product. Loss-of-function variants in TERT are known to be pathogenic (PMID: 16247010, 17460043). This variant has not been reported in the literature in individuals affected with TERT-related conditions. In summary, the currently available evidence indicates that the variant is pathogenic, but additional data are needed to prove that conclusively. Therefore, this variant has been classified as Likely Pathogenic.

Literature cited by the submitters: PubMed 25640679; PubMed 16247010; PubMed 17460043.

NC_000005.9:g.(?_1282524)_(1282759_?)dup

Gene: TERT (telomerase reverse transcriptase; minus strand). Cytogenetic location: 5p15.33.
Variant type: Duplication.
Identifiers: ClinVar variation 1348881 (VCV001348881.42).